The following is an entry in ClinVar:

ClinVar aggregate classification (germline): Uncertain significance (1 of 4 stars; one submission).

Allele frequency attached by ClinVar (database versions not stated): gnomAD 0.00001; gnomAD exomes 0.00001; ExAC 0.00002; ESP Exome Variant Server 0.00008.
gnomAD v4.1: 21 of 1,613,524 alleles (0.0013%); highest among the groups gnomAD compares: Non-Finnish European, 0.0018%; no homozygotes.

Submission:

Labcorp Genetics (formerly Invitae), Labcorp
Classification: Uncertain significance. Last evaluated: 2022-10-24. Review status: criteria provided, single submitter. Criteria: Invitae Variant Classification Sherloc (09022015). Collection method: clinical testing. Allele origin: germline.
Comment: This sequence change replaces aspartic acid, which is acidic and polar, with asparagine, which is neutral and polar, at codon 305 of the TYR protein (p.Asp305Asn). This variant is present in population databases (rs139893504, gnomAD 0.002%). This missense change has been observed in individual(s) with oculocutaneous albinism (PMID: 15146472). ClinVar contains an entry for this variant (Variation ID: 1428702). Algorithms developed to predict the effect of missense changes on protein structure and function are either unavailable or do not agree on the potential impact of this missense change (SIFT: "Tolerated"; PolyPhen-2: "Probably Damaging"; Align-GVGD: "Class C0"). In summary, the available evidence is currently insufficient to determine the role of this variant in disease. Therefore, it has been classified as a Variant of Uncertain Significance.

Literature cited by the submitters: PubMed 15146472.

NM_000372.5(TYR):c.913G>A (p.Asp305Asn)

Gene: TYR (tyrosinase; plus strand). Cytogenetic location: 11q14.3.
Variant type: single nucleotide variant.
Coding change: c.913G>A on transcript NM_000372.5 (MANE Select); coding-DNA position 913, G replaced by A.
Protein change: p.Asp305Asn; replaces aspartic acid 305 with asparagine.
Molecular consequence: missense variant.
Genome position (GRCh38, 1-based): chr11:89,191,295, G>A. VCF-style: chr11-89191295-G-A. GRCh37 (hg19) VCF-style: chr11-88924463-G-A.
Other names: short protein forms D305N.
Identifiers: ClinVar variation 1428702 (VCV001428702.3), dbSNP rs139893504, ClinGen allele CA6221260.
Genomic context (GRCh38, chr11:89,191,295, plus strand): 5'-CATCAGTCTTTATGCAATGGAACGCCCGAGGGACCTTTACGGCGTAATCCTGGAAACCAT[G>A]ACAAATCCAGAACCCCAAGGCTCCCCTCTTCAGCTGATGTAGAATTTTGCCTGAGTTTGA-3'
Protein context (NP_000363.1, residues 295-315): GPLRRNPGNH[Asp305Asn]KSRTPRLPSS